The following is an entry in ClinVar:

NM_000540.3(RYR1):c.13197_13202dup (p.Gly4401_Asp4402insGlyGly)

Gene: RYR1 (ryanodine receptor 1; plus strand). Cytogenetic location: 19q13.2.
Variant type: Duplication.
Coding change: c.13197_13202dup on transcript NM_000540.3 (MANE Select); coding-DNA positions 13197 to 13202, 6 bases duplicated (GGGCGG; older notation c.13197_13202dupGGGCGG).
Protein change: p.Gly4401_Asp4402insGlyGly.
Molecular consequence: inframe insertion.
Genome position (GRCh38, 1-based): chr19:38,565,531-38,565,536, GGGCGG duplicated. VCF-style (leftmost placement, unchanged base first): chr19-38565530-C-CGGGCGG. GRCh37 (hg19) VCF-style: chr19-39056170-C-CGGGCGG.
Other names: c.13182_13187dup, p.Gly4396_Asp4397insGlyGly (NM_001042723.2).
Identifiers: ClinVar variation 2699104 (VCV002699104.3), dbSNP rs2514679976, ClinGen allele CA2697556511.

ClinVar aggregate classification (germline): Uncertain significance (1 of 4 stars; one submission).

Conditions:
RYR1-related disorder. Also called: RYR1-related condition; RYR1-related disorders. Identifiers: MedGen CN239331.

Submission:

Labcorp Genetics (formerly Invitae), Labcorp
Classification: Uncertain significance for RYR1-related disorder. Last evaluated: 2023-11-25. Review status: criteria provided, single submitter. Criteria: Invitae Variant Classification Sherloc (09022015). Collection method: clinical testing. Allele origin: germline.
Comment: This variant, c.13197_13202dup, results in the insertion of 2 amino acid(s) of the RYR1 protein (p.Gly4400_Gly4401dup), but otherwise preserves the integrity of the reading frame. This variant is not present in population databases (gnomAD no frequency). This variant has not been reported in the literature in individuals affected with RYR1-related conditions. In summary, the available evidence is currently insufficient to determine the role of this variant in disease. Therefore, it has been classified as a Variant of Uncertain Significance.